The following is an entry in ClinVar:

NM_001128840.3(CACNA1D):c.6100C>G (p.Arg2034Gly)

Gene: CACNA1D (calcium voltage-gated channel subunit alpha1 D; plus strand). Cytogenetic location: 3p21.1.
Variant type: single nucleotide variant.
Coding change: c.6100C>G on transcript NM_001128840.3 (MANE Select); coding-DNA position 6100, C replaced by G.
Protein change: p.Arg2034Gly; replaces arginine 2034 with glycine.
Molecular consequence: missense variant.
Genome position (GRCh38, 1-based): chr3:53,810,206, C>G. VCF-style: chr3-53810206-C-G. GRCh37 (hg19) VCF-style: chr3-53844233-C-G.
Other names: c.6160C>G, p.Arg2054Gly (NM_000720.4); c.6028C>G, p.Arg2010Gly (NM_001128839.3); c.6160C>G (NM_000720.2); short protein forms R2034G, R2010G, R2054G.
Identifiers: ClinVar variation 2829632 (VCV002829632.6), dbSNP rs142692903, ClinGen allele CA353258469.

ClinVar aggregate classification (germline): Uncertain significance. Review status: criteria provided, multiple submitters, no conflicts (2 of 4 stars). 3 submissions from 3 submitters: Uncertain significance (3). Last evaluated 2025-10-15.

Conditions:
Inborn genetic diseases. Identifiers: MedGen C0950123, MeSH D030342.

Submissions (3):

GeneDx
Classification: Uncertain significance. Last evaluated: 2025-10-15. Review status: criteria provided, single submitter. Criteria: GeneDx Variant Classification Process June 2021. Collection method: clinical testing. Allele origin: germline.
Comment: Not observed at significant frequency in large population cohorts (gnomAD); In silico analysis supports that this missense variant has a deleterious effect on protein structure/function; Has not been previously published as pathogenic or benign to our knowledge

Ambry Genetics
Classification: Uncertain significance for Inborn genetic diseases. Last evaluated: 2025-08-29. Review status: criteria provided, single submitter. Criteria: Ambry Variant Classification Scheme 2023. Collection method: clinical testing. Allele origin: germline.

Labcorp Genetics (formerly Invitae), Labcorp
Classification: Uncertain significance. Last evaluated: 2024-01-04. Review status: criteria provided, single submitter. Criteria: Invitae Variant Classification Sherloc (09022015). Collection method: clinical testing. Allele origin: germline.
Comment: This sequence change replaces arginine, which is basic and polar, with glycine, which is neutral and non-polar, at codon 2054 of the CACNA1D protein (p.Arg2054Gly). This variant is present in population databases (no rsID available, gnomAD 0.0009%). This variant has not been reported in the literature in individuals affected with CACNA1D-related conditions. An algorithm developed to predict the effect of missense changes on protein structure and function (PolyPhen-2) suggests that this variant is likely to be tolerated. In summary, the available evidence is currently insufficient to determine the role of this variant in disease. Therefore, it has been classified as a Variant of Uncertain Significance.